The following is an entry in ClinVar:

NM_014855.3(AP5Z1):c.383A>C (p.Glu128Ala)

Gene: AP5Z1 (adaptor related protein complex 5 subunit zeta 1; plus strand). Cytogenetic location: 7p22.1.
Variant type: single nucleotide variant.
Coding change: c.383A>C on transcript NM_014855.3 (MANE Select); coding-DNA position 383, A replaced by C.
Protein change: p.Glu128Ala; replaces glutamic acid 128 with alanine.
Molecular consequence: missense variant. On other transcripts: 5 prime UTR variant (1), non-coding transcript variant (1).
Genome position (GRCh38, 1-based): chr7:4,783,332, A>C. VCF-style: chr7-4783332-A-C. GRCh37 (hg19) VCF-style: chr7-4822963-A-C.
Other names: c.-86A>C (NM_001364858.1); short protein forms E128A.
Identifiers: ClinVar variation 2581920 (VCV002581920.1), dbSNP rs1781435214, ClinGen allele CA366658865.
Genomic context (GRCh38, chr7:4,783,332, plus strand): 5'-TGGCACAGGCCAGTACCCCAGCGTTTGCCCTGTTTGATTTGAAGGGTGACAGAAACGAGG[A>C]GGTCAGAGCCGTGGGCCAGGGCGTGCTACGAGCGCTGGAGAGCCGGCAGCCTGAGGGACC-3'
Protein context (NP_055670.1, residues 118-138): VLLAQGDRNE[Glu128Ala]VRAVGQGVLR

ClinVar aggregate classification (germline): Uncertain significance (1 of 4 stars; one submission).

gnomAD v4.1: 2 of 1,610,622 alleles (0.00012%); highest among the groups gnomAD compares: Non-Finnish European, 0.00017%; no homozygotes.

Submission:

GeneDx
Classification: Uncertain significance. Last evaluated: 2023-03-27. Review status: criteria provided, single submitter. Criteria: GeneDx Variant Classification Process June 2021. Collection method: clinical testing. Allele origin: germline. Affected: yes.
Comment: Not observed at significant frequency in large population cohorts (gnomAD); In silico analysis supports that this missense variant does not alter protein structure/function; Has not been previously published as pathogenic or benign to our knowledge